The following is an entry in ClinVar:

ClinVar aggregate classification (germline): Uncertain significance. Review status: criteria provided, single submitter (1 of 4 stars). 2 submissions from 2 submitters: Uncertain significance (1). 1 of the submissions does not count toward it. Last evaluated 2021-09-02.

Conditions:
Joubert syndrome. Also called: Familial aplasia of the vermis; JOUBERT-BOLTSHAUSER SYNDROME. Identifiers: Orphanet 475, MedGen C5979921, MONDO:0018772.
Meckel-Gruber syndrome. Also called: Dysencephalia splachnocystica; DYSENCEPHALIA SPLANCHNOCYSTICA; GRUBER SYNDROME. Identifiers: Orphanet 564, MedGen C0265215, MONDO:0018921.
RPGRIP1L-related disorder. Also called: RPGRIP1L-related disorders; RPGRIP1L-related condition. Identifiers: MedGen CN239416.

Allele frequency attached by ClinVar (database versions not stated): ExAC 0.00002; TOPMed 0.00002; gnomAD 0.00003; ESP Exome Variant Server 0.00008; gnomAD exomes 0.00001.
gnomAD v4.1: 21 of 1,612,858 alleles (0.0013%); highest among the groups gnomAD compares: Non-Finnish European, 0.0018%; no homozygotes.

Submissions (2):

Labcorp Genetics (formerly Invitae), Labcorp
Classification: Uncertain significance for Joubert syndrome; Meckel-Gruber syndrome. Last evaluated: 2021-09-02. Review status: criteria provided, single submitter. Criteria: Invitae Variant Classification Sherloc (09022015). Collection method: clinical testing. Allele origin: germline.
Comment: This sequence change falls in intron 16 of the RPGRIP1L gene. It does not directly change the encoded amino acid sequence of the RPGRIP1L protein. It affects a nucleotide within the consensus splice site of the intron. This variant is present in population databases (rs372830597, ExAC 0.003%). This variant has not been reported in the literature in individuals affected with RPGRIP1L-related conditions. Variants that disrupt the consensus splice site are a relatively common cause of aberrant splicing (PMID: 17576681, 9536098). Algorithms developed to predict the effect of sequence changes on RNA splicing suggest that this variant is not likely to affect RNA splicing. In summary, the available evidence is currently insufficient to determine the role of this variant in disease. Therefore, it has been classified as a Variant of Uncertain Significance.

PreventionGenetics, part of Exact Sciences
Classification: Likely benign for RPGRIP1L-related condition. Last evaluated: 2020-12-04. Review status: no assertion criteria provided. Collection method: clinical testing. Allele origin: germline. Not counted in ClinVar's aggregate classification.
Comment: This variant is classified as likely benign based on ACMG/AMP sequence variant interpretation guidelines (Richards et al. 2015 PMID: 25741868, with internal and published modifications).

Literature cited by the submitters: PubMed 17576681 (cited by Labcorp Genetics (formerly Invitae), Labcorp); PubMed 9536098 (cited by Labcorp Genetics (formerly Invitae), Labcorp).

NM_015272.5(RPGRIP1L):c.2304+6C>T

Gene: RPGRIP1L (RPGRIP1 like; minus strand). Cytogenetic location: 16q12.2.
Variant type: single nucleotide variant.
Coding change: c.2304+6C>T on transcript NM_015272.5 (MANE Select); 6 bases into the intron after coding-DNA position 2304, C replaced by T.
Molecular consequence: intron variant.
Genome position (GRCh38, 1-based): chr16:53,648,958, G>A on the plus strand (C>T on the coding strand, the complement: RPGRIP1L is on the minus strand). VCF-style: chr16-53648958-G-A. GRCh37 (hg19) VCF-style: chr16-53682870-G-A.
Other names: c.2304+6C>T (NM_015272.4, NM_001127897.4, NM_001330538.2 and 1 more transcripts).
Identifiers: ClinVar variation 2428250 (VCV002428250.7), dbSNP rs372830597, ClinGen allele CA8057585.